The following is an entry in ClinVar:

NM_176869.3(PPA2):c.371G>A (p.Gly124Glu)

Gene: PPA2 (inorganic pyrophosphatase 2; minus strand). Cytogenetic location: 4q24.
Variant type: single nucleotide variant.
Coding change: c.371G>A on transcript NM_176869.3 (MANE Select); coding-DNA position 371, G replaced by A.
Protein change: p.Gly124Glu; replaces glycine 124 with glutamic acid.
Molecular consequence: missense variant. On other transcripts: intron variant (2).
Genome position (GRCh38, 1-based): chr4:105,446,453, C>T on the plus strand (G>A on the coding strand, the complement: PPA2 is on the minus strand). VCF-style: chr4-105446453-C-T. GRCh37 (hg19) VCF-style: chr4-106367610-C-T.
Other names: c.371G>A, p.Gly124Glu (NM_006903.4); c.157+27441G>A (NM_176867.3); c.222+10228G>A (NM_176866.2); short protein forms G124E.
Identifiers: ClinVar variation 1315534 (VCV001315534.39), dbSNP rs149461126, ClinGen allele CA3032570.

ClinVar aggregate classification (germline): Uncertain significance. Review status: criteria provided, multiple submitters, no conflicts (2 of 4 stars). 4 submissions from 4 submitters: Uncertain significance (4). Last evaluated 2025-06-16.

Conditions:
Inborn genetic diseases. Identifiers: MedGen C0950123, MeSH D030342.

Allele frequency attached by ClinVar (database versions not stated): ExAC 0.00001; gnomAD 0.00001 and 0.00003; gnomAD exomes 0.00001 and 0.00002; TOPMed 0.00002; ESP Exome Variant Server 0.00008.
gnomAD v4.1: 30 of 1,606,362 alleles (0.0019%); highest among the groups gnomAD compares: Middle Eastern, 0.066%; no homozygotes.

Submissions (4):

Ambry Genetics
Classification: Uncertain significance for Inborn genetic diseases. Last evaluated: 2025-06-16. Review status: criteria provided, single submitter. Criteria: Ambry Variant Classification Scheme 2023. Collection method: clinical testing. Allele origin: germline.

GeneDx
Classification: Uncertain significance. Last evaluated: 2025-05-23. Review status: criteria provided, single submitter. Criteria: GeneDx Variant Classification Process June 2021. Collection method: clinical testing. Allele origin: germline. Affected: yes.
Comment: Not observed at significant frequency in large population cohorts (gnomAD); In silico analysis supports that this missense variant has a deleterious effect on protein structure/function; Has not been previously published as pathogenic or benign to our knowledge

CeGaT Center for Human Genetics Tuebingen
Classification: Uncertain significance. Last evaluated: 2022-03-01. Review status: criteria provided, single submitter. Criteria: CeGaT Center For Human Genetics Tuebingen Variant Classification Criteria Version 2. Collection method: clinical testing. Allele origin: germline. Affected: yes. Observed: 1 variant allele.

Labcorp Genetics (formerly Invitae), Labcorp
Classification: Uncertain significance. Last evaluated: 2022-02-24. Review status: criteria provided, single submitter. Criteria: Invitae Variant Classification Sherloc (09022015). Collection method: clinical testing. Allele origin: germline.
Comment: This sequence change replaces glycine, which is neutral and non-polar, with glutamic acid, which is acidic and polar, at codon 124 of the PPA2 protein (p.Gly124Glu). This variant is present in population databases (rs149461126, gnomAD 0.003%). This variant has not been reported in the literature in individuals affected with PPA2-related conditions. ClinVar contains an entry for this variant (Variation ID: 1315534). Algorithms developed to predict the effect of missense changes on protein structure and function are either unavailable or do not agree on the potential impact of this missense change (SIFT: "Tolerated"; PolyPhen-2: "Possibly Damaging"; Align-GVGD: "Class C0"). In summary, the available evidence is currently insufficient to determine the role of this variant in disease. Therefore, it has been classified as a Variant of Uncertain Significance.